The following is an entry in ClinVar:

NM_001041.4(SI):c.3905G>C (p.Gly1302Ala)

Gene: SI (sucrase-isomaltase; minus strand). Cytogenetic location: 3q26.1.
Variant type: single nucleotide variant.
Coding change: c.3905G>C on transcript NM_001041.4 (MANE Select); coding-DNA position 3905, G replaced by C.
Protein change: p.Gly1302Ala; replaces glycine 1302 with alanine.
Molecular consequence: missense variant.
Genome position (GRCh38, 1-based): chr3:165,015,217, C>G on the plus strand (G>C on the coding strand, the complement: SI is on the minus strand). VCF-style: chr3-165015217-C-G. GRCh37 (hg19) VCF-style: chr3-164733005-C-G.
Other names: short protein forms G1302A.
Identifiers: ClinVar variation 1398685 (VCV001398685.5), dbSNP rs780497188, ClinGen allele CA2690099.

ClinVar aggregate classification (germline): Conflicting classifications of pathogenicity. Review status: criteria provided, conflicting classifications (1 of 4 stars). 2 submissions from 2 submitters: Uncertain significance (1); Likely benign (1). Last evaluated 2026-01-05.

Conditions:
Sucrase-isomaltase deficiency (CSID). Also called: Deficiency of isomaltase; SI DEFICIENCY; Congenital sucrose isomaltose malabsorption; Sucrose isomaltose enzyme deficiency. Identifiers: Orphanet 35122, MedGen C1283620, MONDO:0009114, OMIM 222900.

Allele frequency attached by ClinVar (database versions not stated): TOPMed below 0.00001; gnomAD 0.00003; gnomAD exomes 0.00004 and 0.00008; ExAC 0.00010; 1000 Genomes Project 30x 0.00031.
gnomAD v4.1: 68 of 1,612,366 alleles (0.0042%); highest among the groups gnomAD compares: South Asian, 0.069%; no homozygotes.

Submissions (2):

Labcorp Genetics (formerly Invitae), Labcorp
Classification: Likely benign. Last evaluated: 2026-01-05. Review status: criteria provided, single submitter. Criteria: Invitae Variant Classification Sherloc (09022015). Collection method: clinical testing. Allele origin: germline.

Neuberg Centre For Genomic Medicine, NCGM
Classification: Uncertain significance for Sucrase-isomaltase deficiency. Review status: criteria provided, single submitter. Criteria: ACMG Guidelines, 2015. Collection method: clinical testing. Allele origin: germline. Inheritance: Autosomal recessive inheritance. Affected: yes.
Comment: The missense variant c.3905G>C (p.Gly1302Ala) has been submitted to ClinVar as a Variant of Uncertain Significance (VUS), but no details are available for independent assessment. It has not been reported in affected individuals. This p.Gly1302Ala variant has allele frequency of 0.0080% in the gnomAD Exomes and is novel (not in any individuals) in 1000 Genomes. The amino acid Gly at position 1302 is changed to a Ala changing protein sequence and it might alter its composition and physico-chemical properties. The amino acid change p.Gly1302Ala in SI is predicted as conserved by GERP++ and PhyloP across 100 vertebrates. For these reasons, this variant has been classified as Uncertain Significance (VUS).